The following is an entry in ClinVar:

ClinVar aggregate classification (germline): Uncertain significance (1 of 4 stars; one submission).

Conditions:
Ullrich congenital muscular dystrophy 2 (UCMD2). Identifiers: Orphanet 75840, MedGen C4225314, MONDO:0014654, OMIM 616470.
Bethlem myopathy 2 (BTHLM2). Identifiers: Orphanet 536516, Orphanet 610, MedGen C4225313, MONDO:0034022, OMIM 616471.

Submission:

Labcorp Genetics (formerly Invitae), Labcorp
Classification: Uncertain significance for Bethlem myopathy 2; Ullrich congenital muscular dystrophy 2. Last evaluated: 2026-01-28. Review status: criteria provided, single submitter. Criteria: Invitae Variant Classification Sherloc (09022015). Collection method: clinical testing. Allele origin: germline.
Comment: This sequence change replaces arginine, which is basic and polar, with threonine, which is neutral and polar, at codon 2764 of the COL12A1 protein (p.Arg2764Thr). This variant is not present in population databases (gnomAD no frequency). This variant has not been reported in the literature in individuals affected with COL12A1-related conditions. An algorithm developed to predict the effect of missense changes on protein structure and function (PolyPhen-2) suggests that this variant is likely to be disruptive. In summary, the available evidence is currently insufficient to determine the role of this variant in disease. Therefore, it has been classified as a Variant of Uncertain Significance.

NM_004370.6(COL12A1):c.8291G>C (p.Arg2764Thr)

Gene: COL12A1 (collagen type XII alpha 1 chain; minus strand). Cytogenetic location: 6q13.
Variant type: single nucleotide variant.
Coding change: c.8291G>C on transcript NM_004370.6 (MANE Select); coding-DNA position 8291, G replaced by C.
Protein change: p.Arg2764Thr; replaces arginine 2764 with threonine.
Molecular consequence: missense variant.
Genome position (GRCh38, 1-based): chr6:75,103,785, C>G on the plus strand (G>C on the coding strand, the complement: COL12A1 is on the minus strand). VCF-style: chr6-75103785-C-G. GRCh37 (hg19) VCF-style: chr6-75813501-C-G.
Other names: c.8291G>C, p.Arg2764Thr (NM_001424113.1); c.8270G>C, p.Arg2757Thr (NM_001424114.1); c.8018G>C, p.Arg2673Thr (NM_001424115.1); c.4799G>C, p.Arg1600Thr (NM_001424116.1, NM_080645.3); short protein forms R2764T, R1600T, R2757T, R2673T.
Identifiers: ClinVar variation 4794378 (VCV004794378.1).